The following is an entry in ClinVar:

ClinVar aggregate classification (germline): Likely pathogenic (1 of 4 stars; one submission).

Conditions:
Long chain 3-hydroxyacyl-CoA dehydrogenase deficiency. Also called: Deficiency of long-chain 3-hydroxyacyl-coenzyme A dehydrogenase; LCHAD Deficiency. Identifiers: Orphanet 5, MedGen C3711645, MONDO:0012173, OMIM 609016.
Mitochondrial trifunctional protein deficiency. Identifiers: Orphanet 746, MedGen C1969443, MONDO:0012172.

gnomAD v4.1: 1 of 1,613,924 alleles (0.000062%); highest among the groups gnomAD compares: East Asian, 0.0022%; no homozygotes.

Submission:

Labcorp Genetics (formerly Invitae), Labcorp
Classification: Likely pathogenic for Mitochondrial trifunctional protein deficiency; Long chain 3-hydroxyacyl-CoA dehydrogenase deficiency. Last evaluated: 2025-07-07. Review status: criteria provided, single submitter. Criteria: Invitae Variant Classification Sherloc (09022015). Collection method: clinical testing. Allele origin: germline.
Comment: This sequence change affects an acceptor splice site in intron 16 of the HADHA gene. It is expected to disrupt RNA splicing. Variants that disrupt the donor or acceptor splice site typically lead to a loss of protein function (PMID: 16199547), and loss-of-function variants in HADHA are known to be pathogenic (PMID: 7738175, 21103935, 21549624, 22459206). This variant is present in population databases (no rsID available, gnomAD 0.006%). This variant has not been reported in the literature in individuals affected with HADHA-related conditions. Algorithms developed to predict the effect of sequence changes on RNA splicing suggest that this variant may disrupt the consensus splice site. In summary, the currently available evidence indicates that the variant is pathogenic, but additional data are needed to prove that conclusively. Therefore, this variant has been classified as Likely Pathogenic.

Literature cited by the submitters: PubMed 16199547; PubMed 7738175; PubMed 21103935; PubMed 21549624; PubMed 22459206.

NM_000182.5(HADHA):c.1690-1G>A

Genes: HADHA (hydroxyacyl-CoA dehydrogenase trifunctional multienzyme complex subunit alpha; minus strand), GAREM2 (GRB2 associated regulator of MAPK1 subtype 2; plus strand). Cytogenetic location: 2p23.3.
Variant type: single nucleotide variant.
Coding change: c.1690-1G>A on transcript NM_000182.5 (MANE Select); the canonical splice acceptor site of the intron before coding-DNA position 1690, G replaced by A.
Molecular consequence: splice acceptor variant.
Genome position (GRCh38, 1-based): chr2:26,193,773, C>T on the plus strand (G>A on the coding strand, the complement: HADHA is on the minus strand). VCF-style: chr2-26193773-C-T. GRCh37 (hg19) VCF-style: chr2-26416642-C-T.
Identifiers: ClinVar variation 4785205 (VCV004785205.1).
Genomic context (GRCh38, chr2:26,193,773, plus strand): 5'-ACCCACAGGAAAGCCAAAGCTTGTGGTCAGGGAATCCAGCTTCTTCGGGTCAACTCCTTC[C>T]TGAACAGGAAGCGATGCAGGGACCTCAGGGGAAGGGCAGCCCAAATCCCCCCAAAGGGCT-3'